The following is an entry in ClinVar:

NM_001197104.2(KMT2A):c.4679C>T (p.Ala1560Val)

Gene: KMT2A (lysine methyltransferase 2A; plus strand). Cytogenetic location: 11q23.3.
Variant type: single nucleotide variant.
Coding change: c.4679C>T on transcript NM_001197104.2 (MANE Select); coding-DNA position 4679, C replaced by T.
Protein change: p.Ala1560Val; replaces alanine 1560 with valine.
Molecular consequence: missense variant.
Genome position (GRCh38, 1-based): chr11:118,490,232, C>T. VCF-style: chr11-118490232-C-T. GRCh37 (hg19) VCF-style: chr11-118360947-C-T.
Other names: c.4679C>T, p.Ala1560Val (NM_005933.4); short protein forms A1560V.
Identifiers: ClinVar variation 1522380 (VCV001522380.6), dbSNP rs2134334954, ClinGen allele CA382834183.

ClinVar aggregate classification (germline): Uncertain significance (1 of 4 stars; one submission).

Submission:

Labcorp Genetics (formerly Invitae), Labcorp
Classification: Uncertain significance. Last evaluated: 2023-10-16. Review status: criteria provided, single submitter. Criteria: Invitae Variant Classification Sherloc (09022015). Collection method: clinical testing. Allele origin: germline.
Comment: This sequence change replaces alanine, which is neutral and non-polar, with valine, which is neutral and non-polar, at codon 1560 of the KMT2A protein (p.Ala1560Val). This variant is not present in population databases (gnomAD no frequency). This variant has not been reported in the literature in individuals affected with KMT2A-related conditions. ClinVar contains an entry for this variant (Variation ID: 1522380). Advanced modeling of protein sequence and biophysical properties (such as structural, functional, and spatial information, amino acid conservation, physicochemical variation, residue mobility, and thermodynamic stability) has been performed at Invitae for this missense variant, however the output from this modeling did not meet the statistical confidence thresholds required to predict the impact of this variant on KMT2A protein function. In summary, the available evidence is currently insufficient to determine the role of this variant in disease. Therefore, it has been classified as a Variant of Uncertain Significance.